The following is an entry in ClinVar:

ClinVar aggregate classification (germline): Conflicting classifications of pathogenicity. Review status: criteria provided, conflicting classifications (1 of 4 stars). 3 submissions from 3 submitters: Uncertain significance (2); Likely benign (1). Last evaluated 2025-12-12.

Conditions:
RECON progeroid syndrome (RECON). Identifiers: MedGen C5830504, MONDO:0957266, OMIM 620370.

Allele frequency attached by ClinVar (database versions not stated): TOPMed 0.00005; gnomAD 0.00022 and 0.00003; gnomAD exomes 0.00030 and 0.00070; ExAC 0.00085; 1000 Genomes Project 0.00100.
gnomAD v4.1: 477 of 1,599,478 alleles (0.03%); highest among the groups gnomAD compares: South Asian, 0.48%; 5 homozygotes.

Submissions (4):

Labcorp Genetics (formerly Invitae), Labcorp
Classification: Likely benign. Last evaluated: 2025-12-12. Review status: criteria provided, single submitter. Criteria: Invitae Variant Classification Sherloc (09022015). Collection method: clinical testing. Allele origin: germline.

GeneDx
Classification: Uncertain significance. Last evaluated: 2025-10-01. Review status: criteria provided, single submitter. Criteria: GeneDx Variant Classification Process June 2021. Collection method: clinical testing. Allele origin: germline. Affected: yes.
Comment: Canonical splice site variant in a gene or region of a gene for which loss of function is not a well-established mechanism of disease; Observed in individuals with breast cancer as well as cancer-free controls (PMID: 33342430, 33413528, 34887416); Variants in candidate genes are classified as variants of uncertain significance in accordance with ACMG guidelines (PMID: 25741868); This variant is associated with the following publications: (PMID: 28406212, 33342430, 33413528, 34887416)

ARUP Laboratories, Molecular Genetics and Genomics, ARUP Laboratories
Classification: Uncertain significance for RECON progeroid syndrome. Last evaluated: 2024-04-13. Review status: criteria provided, single submitter. Criteria: ARUP Molecular Germline Variant Investigation Process 2024. Collection method: clinical testing. Allele origin: germline.
Comment: The RECQL c.868-2A>G variant (rs571176607) is reported in the literature in individuals affected with breast cancer as well as healthy controls (Rashid 2020, Southey 2021). This variant is also reported in ClinVar (Variation ID: 1132794). The c.868-2A>G variant is found in the South Asian population with an allele frequency of 0.5669% (154/27,164 alleles, including 1 homozygote) in the Genome Aggregation Database v2.1.1. This variant disrupts the canonical splice acceptor site of intron 7, which is likely to negatively impact gene function. However, functional analyses of the variant protein showed no effect on splicing (Rashid 2020). Due to limited information, the clinical significance of this variant is uncertain at this time. References: Rashid MU et al. Prevalence of RECQL germline variants in Pakistani early-onset and familial breast cancer patients. Hered Cancer Clin Pract. 2020 Dec 20;18(1):25. PMID: 33342430. Southey MC et al. Population-based estimates of breast cancer risk for carriers of pathogenic variants identified by gene-panel testing. NPJ Breast Cancer. 2021 Dec 9;7(1):153. PMID: 34887416.

Dr. Peter K. Rogan Lab, Western University
No classification provided (evidence only). Condition: Gastric cancer. Review status: no classification provided. Collection method: in vitro. Allele origin: not applicable. Functional consequence: retained intron. Not counted in ClinVar's aggregate classification.

NM_002907.4(RECQL):c.868-2A>G

Gene: RECQL (RecQ like helicase; minus strand). Cytogenetic location: 12p12.1.
Variant type: single nucleotide variant.
Coding change: c.868-2A>G on transcript NM_002907.4 (MANE Select); the canonical splice acceptor site of the intron before coding-DNA position 868, A replaced by G.
Molecular consequence: splice acceptor variant.
Genome position (GRCh38, 1-based): chr12:21,476,994, T>C on the plus strand (A>G on the coding strand, the complement: RECQL is on the minus strand). VCF-style: chr12-21476994-T-C. GRCh37 (hg19) VCF-style: chr12-21629928-T-C.
Other names: c.868-2A>G (NM_032941.3).
Identifiers: ClinVar variation 1132794 (VCV001132794.18), dbSNP rs571176607, ClinGen allele CA6478931.